The following is an entry in ClinVar:

NM_000532.5(PCCB):c.966+1G>T

Gene: PCCB (propionyl-CoA carboxylase subunit beta; plus strand). Cytogenetic location: 3q22.3.
Variant type: single nucleotide variant.
Coding change: c.966+1G>T on transcript NM_000532.5 (MANE Select); the canonical splice donor site of the intron after coding-DNA position 966, G replaced by T.
Molecular consequence: splice donor variant.
Genome position (GRCh38, 1-based): chr3:136,301,112, G>T. VCF-style: chr3-136301112-G-T. GRCh37 (hg19) VCF-style: chr3-136019954-G-T.
Other names: c.1026+1G>T (NM_001178014.2).
Identifiers: ClinVar variation 554742 (VCV000554742.4), dbSNP rs1385850128, ClinGen allele CA354645762.
Genomic context (GRCh38, chr3:136,301,112, plus strand): 5'-GACACAATTGTCCCTTTGGAATCAACCAAAGCCTACAACATGGTGGACATCATACACTCT[G>T]TAAGTGCCACATCTGTTTGTCTTGCCTGTCCTAGTCAGCCACATTCATGGGCATTGTGCT-3'

ClinVar aggregate classification (germline): Pathogenic. Review status: criteria provided, multiple submitters, no conflicts (2 of 4 stars). 3 submissions from 3 submitters: Pathogenic (2). 1 of the submissions does not count toward it. Last evaluated 2024-05-06.

Conditions:
Propionic acidemia (PROP). Also called: GLYCINEMIA, KETOTIC; HYPERGLYCINEMIA WITH KETOACIDOSIS AND LEUKOPENIA; KETOTIC HYPERGLYCINEMIA. Identifiers: Orphanet 35, MedGen C0268579, MONDO:0011628, OMIM 606054, HP:0003571.

gnomAD v4.1: 2 of 1,609,922 alleles (0.00012%); highest among the groups gnomAD compares: East Asian, 0.0022%; no homozygotes.

Submissions (3):

Natera, Inc.
Classification: Pathogenic for Propionic acidemia. Last evaluated: 2024-05-06. Review status: criteria provided, single submitter. Criteria: Natera Variant Classification Schema (03/2026). Collection method: clinical testing. Allele origin: germline.
Comment: The c.966+1G>T variant in PCCB is a canonical splice donor site variant predicted to affect pre-mRNA splicing, which may result in an abnormal transcript and altered protein product. This variant is expected to result in nonsense mediated decay, truncation, or a dysfunctional protein product. This variant is rare in the general population with a frequency below the threshold expected for the associated phenotype(s). This variant has been observed in one or more individuals affected with the associated recessive disease, as either homozygous or compound heterozygous with a second variant (PMID: 15059621). Given the available evidence, this variant is classified as Pathogenic.

Baylor Genetics
Classification: Pathogenic for Propionic acidemia. Last evaluated: 2023-11-17. Review status: criteria provided, single submitter. Criteria: ACMG Guidelines, 2015. Collection method: clinical testing. Allele origin: unknown.

Counsyl
Classification: Pathogenic for Propionic acidemia. Last evaluated: 2017-11-02. Review status: no assertion criteria provided. Collection method: clinical testing. Allele origin: unknown. Not counted in ClinVar's aggregate classification.

Literature cited by the submitters: PubMed 15059621 (cited by Natera, Inc. and Counsyl).